The following is an entry in ClinVar:

ClinVar aggregate classification (germline): Uncertain significance (1 of 4 stars; one submission).

Conditions:
Polyglandular autoimmune syndrome, type 1 (APS1). Also called: APS I; Autoimmune polyendocrine syndrome type 1; HYPOADRENOCORTICISM WITH HYPOPARATHYROIDISM AND SUPERFICIAL MONILIASIS; PGA I; Whitaker syndrome; AUTOIMMUNE POLYENDOCRINE SYNDROME, TYPE I, WITH OR WITHOUT REVERSIBLE METAPHYSEAL DYSPLASIA. Identifiers: Orphanet 3453, MedGen C0085859, MONDO:0009411, OMIM 240300.

Submission:

Myriad Genetics, Inc.
Classification: Uncertain significance for Polyglandular autoimmune syndrome, type 1. Last evaluated: 2026-02-20. Review status: criteria provided, single submitter. Criteria: Myriad Autosomal Dominant, Autosomal Recessive and X-Linked Classification Criteria (2023). Collection method: clinical testing. Allele origin: unknown.
Comment: NM_000383.3(AIRE):c.1056_1061del6(E353_E354del) is an in-frame deletion classified as a variant of uncertain significance in the context of autoimmune polyglandular syndrome type 1. E353_E354del has not been observed in cases with relevant disease. Relevant functional assessments of this variant are not available in the literature. E353_E354del has not been observed in referenced population frequency databases. In summary, there is insufficient evidence to classify NM_000383.3(AIRE):c.1056_1061del6(E353_E354del) as pathogenic or benign. Please note: this variant was assessed in the context of healthy population screening.

NM_000383.4(AIRE):c.1056_1061del (p.Glu353_Glu354del)

Gene: AIRE (autoimmune regulator; plus strand). Cytogenetic location: 21q22.3.
Variant type: Deletion.
Coding change: c.1056_1061del on transcript NM_000383.4 (MANE Select); coding-DNA positions 1056 to 1061, 6 bases deleted (AGAGGA; older notation c.1056_1061delAGAGGA).
Protein change: p.Glu353_Glu354del.
Molecular consequence: inframe deletion.
Genome position (GRCh38, 1-based): chr21:44,292,362-44,292,367, AGAGGA deleted. VCF-style (leftmost placement, unchanged base first): chr21-44292361-CAGAGGA-C. GRCh37 (hg19) VCF-style: chr21-45712244-CAGAGGA-C.
Identifiers: ClinVar variation 5004486 (VCV005004486.1).
Genomic context (GRCh38, chr21:44,292,361, plus strand): 5'-GTGGGACCTGGAGGTGCTCCAGCTGCCTGCAGGCAACAGTCCAGGAGGTGCAGCCCCGGG[CAGAGGA>C]GCCCCGGCCCCAGGAGCCACCCGTGGAGACCCCGGTATGGCCACGCCCCCTCCTAGCCGG-3'